The following is an entry in ClinVar:

NM_033026.6(PCLO):c.10147C>G (p.Gln3383Glu)

Gene: PCLO (piccolo presynaptic cytomatrix protein; minus strand). Cytogenetic location: 7q21.11.
Variant type: single nucleotide variant.
Coding change: c.10147C>G on transcript NM_033026.6 (MANE Select); coding-DNA position 10147, C replaced by G.
Protein change: p.Gln3383Glu; replaces glutamine 3383 with glutamic acid.
Molecular consequence: missense variant.
Genome position (GRCh38, 1-based): chr7:82,950,441, G>C on the plus strand (C>G on the coding strand, the complement: PCLO is on the minus strand). VCF-style: chr7-82950441-G-C. GRCh37 (hg19) VCF-style: chr7-82579757-G-C.
Other names: c.10147C>G, p.Gln3383Glu (NM_014510.3); short protein forms Q3383E.
Identifiers: ClinVar variation 2051938 (VCV002051938.2), dbSNP rs2535676553, ClinGen allele CA367905258.

ClinVar aggregate classification (germline): Uncertain significance (1 of 4 stars; one submission).

Submission:

Labcorp Genetics (formerly Invitae), Labcorp
Classification: Uncertain significance. Last evaluated: 2022-02-21. Review status: criteria provided, single submitter. Criteria: Invitae Variant Classification Sherloc (09022015). Collection method: clinical testing. Allele origin: germline.
Comment: In summary, the available evidence is currently insufficient to determine the role of this variant in disease. Therefore, it has been classified as a Variant of Uncertain Significance. Algorithms developed to predict the effect of missense changes on protein structure and function are either unavailable or do not agree on the potential impact of this missense change (SIFT: "Deleterious"; PolyPhen-2: "Not Available"; Align-GVGD: "Class C0"). This variant has not been reported in the literature in individuals affected with PCLO-related conditions. This variant is not present in population databases (gnomAD no frequency). This sequence change replaces glutamine, which is neutral and polar, with glutamic acid, which is acidic and polar, at codon 3383 of the PCLO protein (p.Gln3383Glu).